The following is an entry in ClinVar:

ClinVar aggregate classification (germline): Uncertain significance (1 of 4 stars; one submission).

Allele frequency attached by ClinVar (database versions not stated): gnomAD exomes below 0.00001.
gnomAD v4.1: 1 of 1,613,042 alleles (0.000062%); highest among the groups gnomAD compares: Non-Finnish European, 0.000085%; no homozygotes.

Submission:

Labcorp Genetics (formerly Invitae), Labcorp
Classification: Uncertain significance. Last evaluated: 2023-07-25. Review status: criteria provided, single submitter. Criteria: Invitae Variant Classification Sherloc (09022015). Collection method: clinical testing. Allele origin: germline.
Comment: This variant is not present in population databases (gnomAD no frequency). This sequence change replaces arginine, which is basic and polar, with cysteine, which is neutral and slightly polar, at codon 882 of the GRIN2D protein (p.Arg882Cys). This variant has not been reported in the literature in individuals affected with GRIN2D-related conditions. In summary, the available evidence is currently insufficient to determine the role of this variant in disease. Therefore, it has been classified as a Variant of Uncertain Significance. Advanced modeling of protein sequence and biophysical properties (such as structural, functional, and spatial information, amino acid conservation, physicochemical variation, residue mobility, and thermodynamic stability) performed at Invitae indicates that this missense variant is not expected to disrupt GRIN2D protein function.

NM_000836.4(GRIN2D):c.2644C>T (p.Arg882Cys)

Gene: GRIN2D (glutamate ionotropic receptor NMDA type subunit 2D; plus strand). Cytogenetic location: 19q13.33.
Variant type: single nucleotide variant.
Coding change: c.2644C>T on transcript NM_000836.4 (MANE Select); coding-DNA position 2644, C replaced by T.
Protein change: p.Arg882Cys; replaces arginine 882 with cysteine.
Molecular consequence: missense variant.
Genome position (GRCh38, 1-based): chr19:48,442,353, C>T. VCF-style: chr19-48442353-C-T. GRCh37 (hg19) VCF-style: chr19-48945610-C-T.
Other names: short protein forms R882C.
Identifiers: ClinVar variation 2974828 (VCV002974828.3), dbSNP rs2513691307, ClinGen allele CA406670541.
Genomic context (GRCh38, chr19:48,442,353, plus strand): 5'-GTCTTCGCCTGGGAGCACCTGGTGTACTGGCGCCTGCGGCACTGCCTGGGGCCCACCCAC[C>T]GCATGGACTTCCTGCTGGCCTTCTCCAGGGTATGGGGCAGAGAGGGAGGCAGAGAGGGGG-3'
Protein context (NP_000827.2, residues 872-892): RLRHCLGPTH[Arg882Cys]MDFLLAFSRG